The following is an entry in ClinVar:

ClinVar aggregate classification (germline): Uncertain significance (1 of 4 stars; one submission).

gnomAD v4.1: 7 of 1,613,986 alleles (0.00043%); highest among the groups gnomAD compares: South Asian, 0.0066%; no homozygotes.

Submission:

Women's Health and Genetics/Laboratory Corporation of America, LabCorp
Classification: Uncertain significance. Last evaluated: 2021-02-01. Review status: criteria provided, single submitter. Criteria: LabCorp Variant Classification Summary - May 2015. Collection method: clinical testing. Allele origin: germline.
Comment: Variant summary: TTN c.4153G>C (p.Ala1385Pro) results in a non-conservative amino acid change located in the near Z-disk domain of the encoded protein sequence. Three of five in-silico tools predict a damaging effect of the variant on protein function. The variant allele was found at a frequency of 4e-06 in 250766 control chromosomes. The available data on variant occurrences in the general population are insufficient to allow any conclusion about variant significance. To our knowledge, no occurrence of c.4153G>C in individuals affected with Dilated Cardiomyopathy and no experimental evidence demonstrating its impact on protein function have been reported. No clinical diagnostic laboratories have submitted clinical-significance assessments for this variant to ClinVar after 2014. Based on the evidence outlined above, the variant was classified as uncertain significance.

NM_001267550.2(TTN):c.4153G>C (p.Ala1385Pro)

Genes: TTN (titin; minus strand), LOC101927055 (uncharacterized LOC101927055; plus strand). Cytogenetic location: 2q31.2.
Variant type: single nucleotide variant.
Coding change: c.4153G>C on transcript NM_001267550.2 (MANE Select); coding-DNA position 4153, G replaced by C.
Protein change: p.Ala1385Pro; replaces alanine 1385 with proline.
Molecular consequence: missense variant.
Genome position (GRCh38, 1-based): chr2:178,778,929, C>G on the plus strand (G>C on the coding strand, the complement: TTN is on the minus strand). VCF-style: chr2-178778929-C-G. GRCh37 (hg19) VCF-style: chr2-179643656-C-G.
Other names: c.4153G>C, p.Ala1385Pro (NM_001256850.1, NM_133378.4, NM_133379.5); c.4015G>C, p.Ala1339Pro (NM_003319.4, NM_133432.3, NM_133437.4); short protein forms A1339P, A1385P.
Identifiers: ClinVar variation 997891 (VCV000997891.1), dbSNP rs140760859, ClinGen allele CA349472920.
Genomic context (GRCh38, chr2:178,778,929, plus strand): 5'-CTTACCTGATTCTGCTCACTGGCTCTAGTGTGGGAATGTAAGTCGGAGCTCCAAGTGGTG[C>G]AGCAGGCTCCACATACAATTTCCCTGAGCAAATTGCATTTCCTTTAATATTGCTGGCAAA-3'
Protein context (NP_001254479.2, residues 1375-1395): CSGKLYVEPA[Ala1385Pro]PLGAPTYIPT